The following is an entry in ClinVar:

ClinVar aggregate classification (germline): Likely benign. Review status: criteria provided, single submitter (1 of 4 stars). 2 submissions from 2 submitters: Likely benign (1). 1 of the submissions does not count toward it. Last evaluated 2023-02-01.

Conditions:
PI4KA-related disorder. Also called: PI4KA-related condition; PI4KA-related disorders. Identifiers: MedGen CN378147, MONDO:1040012.

Allele frequency attached by ClinVar (database versions not stated): gnomAD exomes 0.00021; ExAC 0.00094; 1000 Genomes Project 0.00220; 1000 Genomes Project 30x 0.00250; gnomAD 0.00250; TOPMed 0.00270; ESP Exome Variant Server 0.00277.
gnomAD v4.1: 704 of 1,608,370 alleles (0.044%); highest among the groups gnomAD compares: African/African-American, 0.85%; 4 homozygotes.

Submissions (2):

Blueprint Genetics
Classification: Likely benign. Last evaluated: 2023-02-01. Review status: criteria provided, single submitter. Criteria: ACMG Guidelines, 2015. Collection method: clinical testing. Allele origin: germline.

PreventionGenetics, part of Exact Sciences
Classification: Benign for PI4KA-related condition. Last evaluated: 2019-08-06. Review status: no assertion criteria provided. Collection method: clinical testing. Allele origin: germline. Not counted in ClinVar's aggregate classification.
Comment: This variant is classified as benign based on ACMG/AMP sequence variant interpretation guidelines (Richards et al. 2015 PMID: 25741868, with internal and published modifications).

NM_058004.4(PI4KA):c.4682+10C>T

Gene: PI4KA (phosphatidylinositol 4-kinase alpha; minus strand). Cytogenetic location: 22q11.21.
Variant type: single nucleotide variant.
Coding change: c.4682+10C>T on transcript NM_058004.4 (MANE Select); 10 bases into the intron after coding-DNA position 4682, C replaced by T.
Molecular consequence: intron variant.
Genome position (GRCh38, 1-based): chr22:20,729,303, G>A on the plus strand (C>T on the coding strand, the complement: PI4KA is on the minus strand). VCF-style: chr22-20729303-G-A. GRCh37 (hg19) VCF-style: chr22-21083591-G-A.
Other names: c.4616+10C>T (NM_001362863.2); c.4589+10C>T (NM_001362862.2).
Identifiers: ClinVar variation 3035572 (VCV003035572.3), dbSNP rs184715351, ClinGen allele CA10115006.